The following is an entry in ClinVar:

NM_001365480.1(CCDC88A):c.80C>A (p.Pro27His)

Gene: CCDC88A (coiled-coil domain containing 88A; minus strand). Cytogenetic location: 2p16.1.
Variant type: single nucleotide variant.
Coding change: c.80C>A on transcript NM_001365480.1 (MANE Select); coding-DNA position 80, C replaced by A.
Protein change: p.Pro27His; replaces proline 27 with histidine.
Molecular consequence: missense variant.
Genome position (GRCh38, 1-based): chr2:55,418,900, G>T on the plus strand (C>A on the coding strand, the complement: CCDC88A is on the minus strand). VCF-style: chr2-55418900-G-T. GRCh37 (hg19) VCF-style: chr2-55646036-G-T.
Other names: c.80C>A, p.Pro27His (NM_001135597.2, NM_001254943.2, NM_018084.5); short protein forms P27H.
Identifiers: ClinVar variation 2104885 (VCV002104885.1), dbSNP rs762723160, ClinGen allele CA346913031.
Genomic context (GRCh38, chr2:55,418,900, plus strand): 5'-AATACCCCATCCACCAAAGCCACATATTCATCAAGGTTGGTCCCATTTCCTGCGGCCAGA[G>T]GTCCAAACGTTTTAACCTAGAACAAACAGAAGGATCACCACGACATGAACGCCCACCTCC-3'
Protein context (NP_001352409.1, residues 17-37): PLVTWVKTFG[Pro27His]LAAGNGTNLD

ClinVar aggregate classification (germline): Uncertain significance (1 of 4 stars; one submission).

Submission:

Labcorp Genetics (formerly Invitae), Labcorp
Classification: Uncertain significance. Last evaluated: 2022-08-08. Review status: criteria provided, single submitter. Criteria: Invitae Variant Classification Sherloc (09022015). Collection method: clinical testing. Allele origin: germline.
Comment: This sequence change replaces proline, which is neutral and non-polar, with histidine, which is basic and polar, at codon 27 of the CCDC88A protein (p.Pro27His). This variant is present in population databases (no rsID available, gnomAD 0.0009%). This variant has not been reported in the literature in individuals affected with CCDC88A-related conditions. Algorithms developed to predict the effect of missense changes on protein structure and function are either unavailable or do not agree on the potential impact of this missense change (SIFT: "Deleterious"; PolyPhen-2: "Benign"; Align-GVGD: "Class C0"). In summary, the available evidence is currently insufficient to determine the role of this variant in disease. Therefore, it has been classified as a Variant of Uncertain Significance.